The following is an entry in ClinVar:

NC_000006.11:g.(?_64574059)_(64574271_?)dup

Gene: EYS (eyes shut homolog; minus strand). Cytogenetic location: 6q12.
Variant type: Duplication.
Identifiers: ClinVar variation 3246135 (VCV003246135.1).

ClinVar aggregate classification (germline): Likely pathogenic (1 of 4 stars; one submission).

Submission:

Labcorp Genetics (formerly Invitae), Labcorp
Classification: Likely pathogenic. Last evaluated: 2023-11-01. Review status: criteria provided, single submitter. Criteria: Invitae Variant Classification Sherloc (09022015). Collection method: clinical testing. Allele origin: unknown.
Comment: This variant results in a copy number gain of the genomic region encompassing exon(s) 36 of the EYS gene. While the exact position of this variant cannot be determined from the data, sub-genic copy number gains are generally in tandem (PMID: 25640679). This variant is predicted to be out-of-frame, and may result in an absent or disrupted protein product. Loss-of-function variants in EYS are known to be pathogenic (PMID: 18836446, 20333770). This variant has not been reported in the literature in individuals affected with EYS-related conditions. In summary, the currently available evidence indicates that the variant is pathogenic, but additional data are needed to prove that conclusively. Therefore, this variant has been classified as Likely Pathogenic.

Literature cited by the submitters: PubMed 25640679; PubMed 18836446; PubMed 20333770.